The following is an entry in ClinVar:

NM_001303256.3(MORC2):c.16T>G (p.Tyr6Asp)

Gene: MORC2 (MORC family CW-type zinc finger 2; minus strand). Cytogenetic location: 22q12.2.
Variant type: single nucleotide variant.
Coding change: c.16T>G on transcript NM_001303256.3 (MANE Select); coding-DNA position 16, T replaced by G.
Protein change: p.Tyr6Asp; replaces tyrosine 6 with aspartic acid.
Molecular consequence: missense variant. On other transcripts: 5 prime UTR variant (1).
Genome position (GRCh38, 1-based): chr22:30,967,874, A>C on the plus strand (T>G on the coding strand, the complement: MORC2 is on the minus strand). VCF-style: chr22-30967874-A-C. GRCh37 (hg19) VCF-style: chr22-31363860-A-C.
Other names: c.16T>G, p.Tyr6Asp (NM_001303257.2); c.-1037T>G (NM_014941.3); short protein forms Y6D.
Identifiers: ClinVar variation 2756567 (VCV002756567.3), dbSNP rs1467310640, ClinGen allele CA411536322.

ClinVar aggregate classification (germline): Uncertain significance (1 of 4 stars; one submission).

Conditions:
Charcot-Marie-Tooth disease axonal type 2Z. Also called: CHARCOT-MARIE-TOOTH DISEASE, AXONAL, AUTOSOMAL DOMINANT, TYPE 2Z; CHARCOT-MARIE-TOOTH NEUROPATHY, TYPE 2Z. Identifiers: Orphanet 466768, MedGen C5569025, MONDO:0014736, OMIM 616688.

Submission:

Labcorp Genetics (formerly Invitae), Labcorp
Classification: Uncertain significance for Charcot-Marie-Tooth disease axonal type 2Z. Last evaluated: 2023-08-30. Review status: criteria provided, single submitter. Criteria: Invitae Variant Classification Sherloc (09022015). Collection method: clinical testing. Allele origin: germline.
Comment: In summary, the available evidence is currently insufficient to determine the role of this variant in disease. Therefore, it has been classified as a Variant of Uncertain Significance. Advanced modeling of protein sequence and biophysical properties (such as structural, functional, and spatial information, amino acid conservation, physicochemical variation, residue mobility, and thermodynamic stability) performed at Invitae indicates that this missense variant is expected to disrupt MORC2 protein function. This variant has not been reported in the literature in individuals affected with MORC2-related conditions. This variant is not present in population databases (gnomAD no frequency). This sequence change replaces tyrosine, which is neutral and polar, with aspartic acid, which is acidic and polar, at codon 6 of the MORC2 protein (p.Tyr6Asp).